The following is an entry in ClinVar:

NM_004113.6(FGF12):c.14-47522del

Gene: FGF12 (fibroblast growth factor 12; minus strand). Cytogenetic location: 3q28.
Variant type: Deletion.
Coding change: c.14-47522del on transcript NM_004113.6 (MANE Select); 47522 bases into the intron before coding-DNA position 14, one base deleted (G; older notation c.14-47522delG).
Molecular consequence: intron variant. On other transcripts: frameshift variant (1).
Genome position (GRCh38, 1-based): chr3:192,408,060, C deleted on the plus strand (G on the coding strand, the reverse complement: FGF12 is on the minus strand). VCF-style (leftmost placement, unchanged base first): chr3-192408059-GC-G. GRCh37 (hg19) VCF-style: chr3-192125848-GC-G.
Other names: c.164del, p.Cys55fs (NM_021032.5); c.-59-47522del (NM_001377293.1); c.14-72596del (NM_001377292.1); c.-60+1452del (NM_001377294.1); short protein forms C55fs.
Identifiers: ClinVar variation 4538023 (VCV004538023.1).
Genomic context (GRCh38, chr3:192,408,059, plus strand): 5'-AGCCCACTCTCCGGGCTTCTACTGACCTGGTCTCCGCCTCACCGGCCTCTTGCGGCCGCT[GC>G]AGAAGCGCACTTTGCTGAACACCCCGAGGACGTGCCTCTCGCACAGGGAGCGCCCGTCTT-3'

ClinVar aggregate classification (germline): Uncertain significance (1 of 4 stars; one submission).

Submission:

GeneDx
Classification: Uncertain significance. Last evaluated: 2025-06-09. Review status: criteria provided, single submitter. Criteria: GeneDx Variant Classification Process June 2021. Collection method: clinical testing. Allele origin: germline. Affected: yes.
Comment: Not observed at significant frequency in large population cohorts (gnomAD); Has not been previously published as pathogenic or benign to our knowledge; Frameshift variant predicted to result in protein truncation or nonsense mediated decay in a gene for which loss-of-function is not an established mechanism of disease